The following is an entry in ClinVar:

ClinVar aggregate classification (germline): Pathogenic (1 of 4 stars; one submission).

Conditions:
Glutaric aciduria, type 1. Also called: Glutaryl-CoA dehydrogenase deficiency; Glutaric acidemia type I; Glutaric Acidemia Type 1; Glutaricacidemia Type 1; GA I; Glutaricaciduria, type I. Identifiers: Orphanet 25, MedGen C0268595, MONDO:0009281, OMIM 231670.

Submission:

Labcorp Genetics (formerly Invitae), Labcorp
Classification: Pathogenic for Glutaric aciduria, type 1. Last evaluated: 2025-08-15. Review status: criteria provided, single submitter. Criteria: Invitae Variant Classification Sherloc (09022015). Collection method: clinical testing. Allele origin: germline.
Comment: This sequence change replaces glycine, which is neutral and non-polar, with arginine, which is basic and polar, at codon 171 of the GCDH protein (p.Gly171Arg). This variant is not present in population databases (gnomAD no frequency). This missense change has been observed in individual(s) with clinical features of glutaric aciduria type I (internal data). Invitae Evidence Modeling of protein sequence and biophysical properties (such as structural, functional, and spatial information, amino acid conservation, physicochemical variation, residue mobility, and thermodynamic stability) indicates that this missense variant is expected to disrupt GCDH protein function with a positive predictive value of 80%. This variant disrupts the p.Gly171 amino acid residue in GCDH. Other variant(s) that disrupt this residue have been determined to be pathogenic (PMID: 29665094). This suggests that this residue is clinically significant, and that variants that disrupt this residue are likely to be disease-causing. For these reasons, this variant has been classified as Pathogenic.

Literature cited by the submitters: PubMed 29665094.

NM_000159.4(GCDH):c.511G>A (p.Gly171Arg)

Gene: GCDH (glutaryl-CoA dehydrogenase; plus strand). Cytogenetic location: 19p13.13.
Variant type: single nucleotide variant.
Coding change: c.511G>A on transcript NM_000159.4 (MANE Select); coding-DNA position 511, G replaced by A.
Protein change: p.Gly171Arg; replaces glycine 171 with arginine.
Molecular consequence: missense variant. On other transcripts: non-coding transcript variant (2).
Genome position (GRCh38, 1-based): chr19:12,895,997, G>A. VCF-style: chr19-12895997-G-A. GRCh37 (hg19) VCF-style: chr19-13006811-G-A.
Other names: c.511G>A, p.Gly171Arg (NM_013976.5); short protein forms G171R.
Identifiers: ClinVar variation 4743498 (VCV004743498.1).